The following is an entry in ClinVar:

NM_004787.4(SLIT2):c.2144-8C>T

Gene: SLIT2 (slit guidance ligand 2; plus strand). Cytogenetic location: 4p15.31.
Variant type: single nucleotide variant.
Coding change: c.2144-8C>T on transcript NM_004787.4 (MANE Select); 8 bases into the intron before coding-DNA position 2144, C replaced by T.
Molecular consequence: intron variant.
Genome position (GRCh38, 1-based): chr4:20,542,486, C>T. VCF-style: chr4-20542486-C-T. GRCh37 (hg19) VCF-style: chr4-20544109-C-T.
Other names: c.2132-8C>T (NM_001289135.3); c.2120-8C>T (NM_001289136.3).
Identifiers: ClinVar variation 724945 (VCV000724945.37), dbSNP rs201532471, ClinGen allele CA2871709.

ClinVar aggregate classification (germline): Likely benign. Review status: criteria provided, multiple submitters, no conflicts (2 of 4 stars). 5 submissions from 5 submitters: Likely benign (4). 1 of the submissions does not count toward it. Last evaluated 2025-08-18.

Conditions:
SLIT2-related disorder. Also called: SLIT2-related condition.

Allele frequency attached by ClinVar (database versions not stated): 1000 Genomes Project 30x 0.00016; 1000 Genomes Project 0.00020; gnomAD 0.00023 and 0.00024; TOPMed 0.00026; ExAC 0.00030; gnomAD exomes 0.00032; ESP Exome Variant Server 0.00054.
gnomAD v4.1: 415 of 1,612,430 alleles (0.026%); highest among the groups gnomAD compares: Middle Eastern, 0.17%; 1 homozygote.

Submissions (5):

Genomic Medicine Center of Excellence, King Faisal Specialist Hospital and Research Centre
Classification: Likely benign. Last evaluated: 2025-08-18. Review status: criteria provided, single submitter. Criteria: ACMG Guidelines, 2015. Collection method: clinical testing. Allele origin: germline.

Labcorp Genetics (formerly Invitae), Labcorp
Classification: Likely benign. Last evaluated: 2025-02-26. Review status: criteria provided, single submitter. Criteria: Invitae Variant Classification Sherloc (09022015). Collection method: clinical testing. Allele origin: germline.

CeGaT Center for Human Genetics Tuebingen
Classification: Likely benign. Last evaluated: 2023-05-01. Review status: criteria provided, single submitter. Criteria: CeGaT Center For Human Genetics Tuebingen Variant Classification Criteria Version 2. Collection method: clinical testing. Allele origin: germline. Affected: yes. Observed: 1 variant allele.
Comment: SLIT2: BP4, BS2

Breakthrough Genomics
Classification: Likely benign. Review status: criteria provided, single submitter. Criteria: ACMG Guidelines, 2015. Collection method: not provided. Allele origin: germline. Inheritance: Unknown mechanism. Affected: yes.

PreventionGenetics, part of Exact Sciences
Classification: Likely benign for SLIT2-related condition. Last evaluated: 2021-05-04. Review status: no assertion criteria provided. Collection method: clinical testing. Allele origin: germline. Not counted in ClinVar's aggregate classification.
Comment: This variant is classified as likely benign based on ACMG/AMP sequence variant interpretation guidelines (Richards et al. 2015 PMID: 25741868, with internal and published modifications).